The following is an entry in ClinVar:

NM_173465.4(COL23A1):c.1266G>A (p.Pro422=)

Gene: COL23A1 (collagen type XXIII alpha 1 chain; minus strand). Cytogenetic location: 5q35.3.
Variant type: single nucleotide variant.
Coding change: c.1266G>A on transcript NM_173465.4 (MANE Select); coding-DNA position 1266, G replaced by A.
Protein change: p.Pro422=; no amino-acid change (proline 422 retained).
Molecular consequence: synonymous variant.
Genome position (GRCh38, 1-based): chr5:178,247,778, C>T on the plus strand (G>A on the coding strand, the complement: COL23A1 is on the minus strand). VCF-style: chr5-178247778-C-T. GRCh37 (hg19) VCF-style: chr5-177674779-C-T.
Identifiers: ClinVar variation 2656127 (VCV002656127.24), dbSNP rs78984764, ClinGen allele CA3590830.
Genomic context (GRCh38, chr5:178,247,778, plus strand): 5'-ACCCCGCCTCTTGGTTTCCTGGCTGCTTCAAACCAAACCAAAGCAAACCGTCCTTACCAT[C>T]GGGCCTGGGGGGCCAGGGGGGCCAGGGGGCCCTGGCTCCACTATGAGCTGAGCCTAGGGA-3'
Protein context (NP_775736.2, residues 412-432): GPPGPPGPPG[Pro422=]MGLQGIQGPK

ClinVar aggregate classification (germline): Likely benign (1 of 4 stars; one submission).

Allele frequency attached by ClinVar (database versions not stated): ESP Exome Variant Server 0.00368.
gnomAD v4.1: 6,416 of 1,613,324 alleles (0.4%); highest among the groups gnomAD compares: Non-Finnish European, 0.48%; 28 homozygotes.

Submission:

CeGaT Center for Human Genetics Tuebingen
Classification: Likely benign. Last evaluated: 2023-02-01. Review status: criteria provided, single submitter. Criteria: CeGaT Center For Human Genetics Tuebingen Variant Classification Criteria Version 2. Collection method: clinical testing. Allele origin: germline. Affected: yes. Observed: 2 variant alleles.
Comment: COL23A1: BP4, BP7, BS2